The following is an entry in ClinVar:

NM_000112.4(SLC26A2):c.596A>G (p.Asn199Ser)

Gene: SLC26A2 (solute carrier family 26 member 2; plus strand). Cytogenetic location: 5q32.
Variant type: single nucleotide variant.
Coding change: c.596A>G on transcript NM_000112.4 (MANE Select); coding-DNA position 596, A replaced by G.
Protein change: p.Asn199Ser; replaces asparagine 199 with serine.
Molecular consequence: missense variant.
Genome position (GRCh38, 1-based): chr5:149,978,248, A>G. VCF-style: chr5-149978248-A-G. GRCh37 (hg19) VCF-style: chr5-149357811-A-G.
Other names: short protein forms N199S.
Identifiers: ClinVar variation 1440701 (VCV001440701.5), dbSNP rs2113696251, ClinGen allele CA361705323.

ClinVar aggregate classification (germline): Uncertain significance (1 of 4 stars; one submission).

Conditions:
Diastrophic dysplasia (DTD). Also called: Diastrophic dwarfism. Identifiers: Orphanet 628, MedGen C0220726, MONDO:0009107, OMIM 222600.
Atelosteogenesis type II (AO2). Also called: NEONATAL OSSEOUS DYSPLASIA I; Neonatal osseous dysplasia 1; SLC26A2-Related Atelosteogenesis. Identifiers: Orphanet 56304, MedGen C1850554, MONDO:0009727, OMIM 256050.
Multiple epiphyseal dysplasia type 4 (EDM4). Also called: Multiple Epiphyseal Dysplasia, Recessive; MULTIPLE EPIPHYSEAL DYSPLASIA WITH BILAYERED PATELLAE; MULTIPLE EPIPHYSEAL DYSPLASIA WITH CLUBFOOT; MULTIPLE EPIPHYSEAL DYSPLASIA, AUTOSOMAL RECESSIVE; SLC26A2-Related Multiple Epiphyseal Dysplasia. Identifiers: Orphanet 93307, MedGen C1847593, MONDO:0009189, OMIM 226900.
Achondrogenesis, type IB (ACG1B). Also called: Achondrogenesis Type 1B. Identifiers: Orphanet 932, Orphanet 93298, MedGen C0265274, MONDO:0010966, OMIM 600972.

Submission:

Labcorp Genetics (formerly Invitae), Labcorp
Classification: Uncertain significance for Atelosteogenesis type II; Multiple epiphyseal dysplasia type 4; Achondrogenesis, type IB; Diastrophic dysplasia. Last evaluated: 2022-06-20. Review status: criteria provided, single submitter. Criteria: Invitae Variant Classification Sherloc (09022015). Collection method: clinical testing. Allele origin: germline.
Comment: This sequence change replaces asparagine, which is neutral and polar, with serine, which is neutral and polar, at codon 199 of the SLC26A2 protein (p.Asn199Ser). This variant is not present in population databases (gnomAD no frequency). This variant has not been reported in the literature in individuals affected with SLC26A2-related conditions. Advanced modeling of protein sequence and biophysical properties (such as structural, functional, and spatial information, amino acid conservation, physicochemical variation, residue mobility, and thermodynamic stability) performed at Invitae indicates that this missense variant is not expected to disrupt SLC26A2 protein function. Algorithms developed to predict the effect of sequence changes on RNA splicing suggest that this variant may create or strengthen a splice site. In summary, the available evidence is currently insufficient to determine the role of this variant in disease. Therefore, it has been classified as a Variant of Uncertain Significance.